The following is an entry in ClinVar:

NM_001242896.3(DEPDC5):c.3188G>A (p.Gly1063Asp)

Gene: DEPDC5 (DEP domain containing 5, GATOR1 subcomplex subunit; plus strand). Cytogenetic location: 22q12.3.
Variant type: single nucleotide variant.
Coding change: c.3188G>A on transcript NM_001242896.3 (MANE Select); coding-DNA position 3188, G replaced by A.
Protein change: p.Gly1063Asp; replaces glycine 1063 with aspartic acid.
Molecular consequence: missense variant. On other transcripts: non-coding transcript variant (5).
Genome position (GRCh38, 1-based): chr22:31,857,477, G>A. VCF-style: chr22-31857477-G-A. GRCh37 (hg19) VCF-style: chr22-32253463-G-A.
Other names: c.3161G>A, p.Gly1054Asp (NM_001136029.4, NM_001369903.1, NM_014662.6); c.2954G>A, p.Gly985Asp (NM_001242897.2, NM_001363854.2, NM_001364319.2); c.3188G>A, p.Gly1063Asp (NM_001363852.2, NM_001364318.2, NM_001364320.2); c.3104G>A, p.Gly1035Asp (NM_001369901.1, NM_001369902.1); short protein forms G1054D, G1063D, G1035D, G985D.
Identifiers: ClinVar variation 1467501 (VCV001467501.6), dbSNP rs2149117311, ClinGen allele CA411293750.

ClinVar aggregate classification (germline): Uncertain significance (1 of 4 stars; one submission).

Conditions:
Familial focal epilepsy with variable foci (FPEVF). Identifiers: Orphanet 98820, MedGen C1858477, MONDO:0020310.

Submission:

Labcorp Genetics (formerly Invitae), Labcorp
Classification: Uncertain significance for Familial focal epilepsy with variable foci. Last evaluated: 2021-11-05. Review status: criteria provided, single submitter. Criteria: Invitae Variant Classification Sherloc (09022015). Collection method: clinical testing. Allele origin: germline.
Comment: In summary, the available evidence is currently insufficient to determine the role of this variant in disease. Therefore, it has been classified as a Variant of Uncertain Significance. Algorithms developed to predict the effect of missense changes on protein structure and function are either unavailable or do not agree on the potential impact of this missense change (SIFT: "Deleterious"; PolyPhen-2: "Not Available"; Align-GVGD: "Class C0"). This variant has not been reported in the literature in individuals affected with DEPDC5-related conditions. This variant is not present in population databases (gnomAD no frequency). This sequence change replaces glycine, which is neutral and non-polar, with aspartic acid, which is acidic and polar, at codon 1063 of the DEPDC5 protein (p.Gly1063Asp).